The following is an entry in ClinVar:

ClinVar aggregate classification (germline): Uncertain significance (1 of 4 stars; one submission).

Conditions:
DYRK1B-related disorder. Also called: DYRK1B-related condition.

Submission:

PreventionGenetics, part of Exact Sciences
Classification: Uncertain significance for DYRK1B-related condition. Last evaluated: 2026-09-24. Review status: criteria provided, single submitter. Criteria: ACMG Guidelines, 2015. Collection method: clinical testing. Allele origin: germline.
Comment: The DYRK1B c.183+4G>C variant is predicted to interfere with splicing. To our knowledge, this variant has not been reported in the literature. This variant is reported in 0.0029% of alleles in individuals of Latino descent in gnomAD. At this time, the clinical significance of this variant is uncertain due to the absence of conclusive functional and genetic evidence.

NM_004714.3(DYRK1B):c.183+4G>C

Gene: DYRK1B (dual specificity tyrosine phosphorylation regulated kinase 1B; minus strand). Cytogenetic location: 19q13.2.
Variant type: single nucleotide variant.
Coding change: c.183+4G>C on transcript NM_004714.3 (MANE Select); 4 bases into the intron after coding-DNA position 183, G replaced by C.
Molecular consequence: intron variant.
Genome position (GRCh38, 1-based): chr19:39,830,660, C>G on the plus strand (G>C on the coding strand, the complement: DYRK1B is on the minus strand). VCF-style: chr19-39830660-C-G. GRCh37 (hg19) VCF-style: chr19-40321300-C-G.
Other names: c.183+4G>C (NM_006483.3, NM_006484.3).
Identifiers: ClinVar variation 4992904 (VCV004992904.1).